The following is an entry in ClinVar:

ClinVar aggregate classification (germline): Uncertain significance (1 of 4 stars; one submission).

Conditions:
Cardiovascular phenotype. Identifiers: MedGen CN230736.
Hereditary cancer-predisposing syndrome. Also called: Neoplastic Syndromes, Hereditary; Hereditary Cancer Syndrome; Tumor predisposition; Hereditary neoplastic syndrome. Identifiers: Orphanet 140162, MedGen C0027672, MeSH D009386, MONDO:0015356.

Submission:

Ambry Genetics
Classification: Uncertain significance for Cardiovascular phenotype; Hereditary cancer-predisposing syndrome. Last evaluated: 2023-01-19. Review status: criteria provided, single submitter. Criteria: Ambry Variant Classification Scheme 2023. Collection method: clinical testing. Allele origin: germline.
Comment: The c.264-41_264-17del25 intronic variant, located in intron 2 of the LZTR1 gene, results from a deletion of 25 nucleotides within intron 2 of the LZTR1 gene. These nucleotide positions are not well conserved in available vertebrate species. In silico splice site analysis predicts that this alteration will weaken the native splice acceptor site and may result in the creation or strengthening of a novel splice acceptor site; however, direct evidence is insufficient at this time (Ambry internal data). Since supporting evidence is limited at this time, the clinical significance of this alteration remains unclear.

NM_006767.4(LZTR1):c.264-41_264-17del

Gene: LZTR1 (leucine zipper like post translational regulator 1; plus strand). Cytogenetic location: 22q11.21.
Variant type: Deletion.
Coding change: c.264-41_264-17del on transcript NM_006767.4 (MANE Select); 41 bases into the intron before coding-DNA position 264 through 17 bases into the intron before coding-DNA position 264, 25 bases deleted (AGACCTGGCTAATGCCACCCTCTCT).
Molecular consequence: intron variant.
Genome position (GRCh38, 1-based): chr22:20,985,800-20,985,824, AGACCTGGCTAATGCCACCCTCTCT deleted; deleting any 25 consecutive bases within chr22:20,985,799-20,985,824 gives the same sequence; the c. name uses the placement nearest the transcript's 3' end. VCF-style (leftmost placement, unchanged base first): chr22-20985798-GTAGACCTGGCTAATGCCACCCTCTC-G. GRCh37 (hg19) VCF-style: chr22-21340087-GTAGACCTGGCTAATGCCACCCTCTC-G.
Identifiers: ClinVar variation 2447730 (VCV002447730.2), dbSNP rs2518610520, ClinGen allele CA2580099146.
Genomic context (GRCh38, chr22:20,985,798, plus strand): 5'-ACAACAGCCCCCTACTCTACCCTGGCTACATGCAGTGCCCATCTCTGGGGTCACTGCAGA[GTAGACCTGGCTAATGCCACCCTCTC>G]TTCCGGCTGCCTTTCAGGAAGACCATGCTCAATGACCTCCTGCGGTTCGATGTGAAAGAC-3'